The following is an entry in ClinVar:

ClinVar aggregate classification (germline): Conflicting classifications of pathogenicity. Review status: criteria provided, conflicting classifications (1 of 4 stars). 5 submissions from 5 submitters: Uncertain significance (1); Likely benign (3). 1 of the submissions does not count toward it. Last evaluated 2026-01-24.

Conditions:
Fraser syndrome 1 (FRASRS1). Also called: CRYPTOPHTHALMOS WITH OTHER MALFORMATIONS. Identifiers: Orphanet 2052, MedGen C4551480, MONDO:0054737, OMIM 219000.
FRAS1-related disorder. Also called: FRAS1-related condition.
Inborn genetic diseases. Identifiers: MedGen C0950123, MeSH D030342.

Allele frequency attached by ClinVar (database versions not stated): gnomAD exomes 0.00019 and 0.00044; gnomAD 0.00021 and 0.00026; TOPMed 0.00032; ESP Exome Variant Server 0.00033; ExAC 0.00049; 1000 Genomes Project 30x 0.00094; 1000 Genomes Project 0.00120.
gnomAD v4.1: 315 of 1,613,902 alleles (0.02%); highest among the groups gnomAD compares: East Asian, 0.55%; 2 homozygotes.

Submissions (5):

Labcorp Genetics (formerly Invitae), Labcorp
Classification: Likely benign. Last evaluated: 2026-01-24. Review status: criteria provided, single submitter. Criteria: Invitae Variant Classification Sherloc (09022015). Collection method: clinical testing. Allele origin: germline.

Blueprint Genetics
Classification: Likely benign. Last evaluated: 2024-11-26. Review status: criteria provided, single submitter. Criteria: ACMG Guidelines, 2015. Collection method: clinical testing. Allele origin: germline.

Ambry Genetics
Classification: Uncertain significance for Inborn genetic diseases. Last evaluated: 2024-04-26. Review status: criteria provided, single submitter. Criteria: Ambry Variant Classification Scheme 2023. Collection method: clinical testing. Allele origin: germline.

Illumina Laboratory Services, Illumina
Classification: Likely benign for Fraser syndrome 1. Last evaluated: 2018-01-12. Review status: criteria provided, single submitter. Criteria: ICSL Variant Classification Criteria 13 December 2019. Collection method: clinical testing. Allele origin: germline.
Comment: This variant was observed in the ICSL laboratory as part of a predisposition screen in an ostensibly healthy population. It had not been previously curated by ICSL or reported in the Human Gene Mutation Database (HGMD: prior to June 1st, 2018), and was therefore a candidate for classification through an automated scoring system. Utilizing variant allele frequency, disease prevalence and penetrance estimates, and inheritance mode, an automated score was calculated to assess if this variant is too frequent to cause the disease. Based on the score and internal cut-off values, a variant classified as likely benign is not then subjected to further curation. The score for this variant resulted in a classification of likely benign for this disease.

PreventionGenetics, part of Exact Sciences
Classification: Likely benign for FRAS1-related condition. Last evaluated: 2024-07-18. Review status: no assertion criteria provided. Collection method: clinical testing. Allele origin: germline. Not counted in ClinVar's aggregate classification.
Comment: This variant is classified as likely benign based on ACMG/AMP sequence variant interpretation guidelines (Richards et al. 2015 PMID: 25741868, with internal and published modifications).

NM_025074.7(FRAS1):c.8698G>A (p.Glu2900Lys)

Gene: FRAS1 (Fraser extracellular matrix complex subunit 1; plus strand). Cytogenetic location: 4q21.21.
Variant type: single nucleotide variant.
Coding change: c.8698G>A on transcript NM_025074.7 (MANE Select); coding-DNA position 8698, G replaced by A.
Protein change: p.Glu2900Lys; replaces glutamic acid 2900 with lysine.
Molecular consequence: missense variant.
Genome position (GRCh38, 1-based): chr4:78,482,481, G>A. VCF-style: chr4-78482481-G-A. GRCh37 (hg19) VCF-style: chr4-79403635-G-A.
Other names: short protein forms E2900K.
Identifiers: ClinVar variation 349775 (VCV000349775.16), dbSNP rs150998139, ClinGen allele CA2978467.